The following is an entry in ClinVar:

ClinVar aggregate classification (germline): Benign. Review status: criteria provided, multiple submitters, no conflicts (2 of 4 stars). 3 submissions from 3 submitters: Benign (3). Last evaluated 2018-06-16.

Conditions:
Glycogen storage disease due to muscle and heart glycogen synthase deficiency. Also called: GSD 0b; MUSCLE GLYCOGEN SYNTHASE DEFICIENCY. Identifiers: Orphanet 137625, MedGen C1969054, MONDO:0012693, OMIM 611556.

Allele frequency attached by ClinVar (database versions not stated): gnomAD exomes 0.07691 and 0.08023; 1000 Genomes Project 30x 0.08370; 1000 Genomes Project 0.08387; ExAC 0.09423; gnomAD 0.09494 and 0.09792; TOPMed 0.09668.
gnomAD v4.1: 54,566 of 672,784 alleles (8.1%); highest among the groups gnomAD compares: Admixed American, 13%; 2,571 homozygotes.

Submissions (3):

GeneDx
Classification: Benign. Last evaluated: 2018-06-16. Review status: criteria provided, single submitter. Criteria: GeneDx Variant Classification (06012015). Collection method: clinical testing. Allele origin: germline. Affected: yes.
Comment: This variant is considered likely benign or benign based on one or more of the following criteria: it is a conservative change, it occurs at a poorly conserved position in the protein, it is predicted to be benign by multiple in silico algorithms, and/or has population frequency not consistent with disease.

Illumina Laboratory Services, Illumina
Classification: Benign for Glycogen storage disease due to muscle and heart glycogen synthase deficiency. Last evaluated: 2018-01-12. Review status: criteria provided, single submitter. Criteria: ICSL Variant Classification Criteria 13 December 2019. Collection method: clinical testing. Allele origin: germline.
Comment: This variant was observed in the ICSL laboratory as part of a predisposition screen in an ostensibly healthy population. It had not been previously curated by ICSL or reported in the Human Gene Mutation Database (HGMD: prior to June 1st, 2018), and was therefore a candidate for classification through an automated scoring system. Utilizing variant allele frequency, disease prevalence and penetrance estimates, and inheritance mode, an automated score was calculated to assess if this variant is too frequent to cause the disease. Based on the score and internal cut-off values, a variant classified as benign is not then subjected to further curation. The score for this variant resulted in a classification of benign for this disease.

Breakthrough Genomics
Classification: Benign. Review status: criteria provided, single submitter. Criteria: ACMG Guidelines, 2015. Collection method: not provided. Allele origin: germline. Inheritance: Autosomal recessive inheritance. Affected: yes.

NM_002103.5(GYS1):c.-182T>G

Genes: GYS1 (glycogen synthase 1; minus strand), LOC130064896 (ATAC-STARR-seq lymphoblastoid silent region 10910; plus strand). Cytogenetic location: 19q13.33.
Variant type: single nucleotide variant.
Coding change: c.-182T>G on transcript NM_002103.5 (MANE Select); 182 bases upstream of the start codon, T replaced by G.
Molecular consequence: 5 prime UTR variant. On other transcripts: non-coding transcript variant (1).
Genome position (GRCh38, 1-based): chr19:48,993,294, A>C on the plus strand (T>G on the coding strand, the complement: GYS1 is on the minus strand). VCF-style: chr19-48993294-A-C. GRCh37 (hg19) VCF-style: chr19-49496551-A-C.
Other names: c.-182T>G (NM_001161587.2).
Identifiers: ClinVar variation 329836 (VCV000329836.7), dbSNP rs2287755, ClinGen allele CA9563541.
Genomic context (GRCh38, chr19:48,993,294, plus strand): 5'-CTCGGCTTCCTATTGCAAGACCGCACCCCTGCCCCGAAGCGTTGGGACCTAGGCAGAAGG[A>C]GGCCGCAGCGTCACTGAGCCCACTGGCGCCCCTGCAGTGAAACCTCGCAGCCGCCAGGAG-3'